The following is an entry in ClinVar:

NM_005245.4(FAT1):c.1940C>T (p.Ala647Val)

Gene: FAT1 (FAT atypical cadherin 1; minus strand). Cytogenetic location: 4q35.2.
Variant type: single nucleotide variant.
Coding change: c.1940C>T on transcript NM_005245.4 (MANE Select); coding-DNA position 1940, C replaced by T.
Protein change: p.Ala647Val; replaces alanine 647 with valine.
Molecular consequence: missense variant.
Genome position (GRCh38, 1-based): chr4:186,707,888, G>A on the plus strand (C>T on the coding strand, the complement: FAT1 is on the minus strand). VCF-style: chr4-186707888-G-A. GRCh37 (hg19) VCF-style: chr4-187629042-G-A.
Other names: short protein forms A647V.
Identifiers: ClinVar variation 1298322 (VCV001298322.8), dbSNP rs200988247, ClinGen allele CA3167354.
Genomic context (GRCh38, chr4:186,707,888, plus strand): 5'-TGACTGGCAGCCACTGTTATGTTGATATATAATGGTGTGGCAAAATTTTCTCCATCTGTA[G>A]CTGTGATTCTCAGACTGTGGAAAGACACCTTTGCACCTAAGCCATCCATTAGCGATCGCT-3'
Protein context (NP_005236.2, residues 637-657): KVSFHSLRIT[Ala647Val]TDGENFATPL

ClinVar aggregate classification (germline): Uncertain significance. Review status: criteria provided, multiple submitters, no conflicts (2 of 4 stars). 4 submissions from 4 submitters: Uncertain significance (3). 1 of the submissions does not count toward it. Last evaluated 2024-11-26.

Conditions:
Inborn genetic diseases. Identifiers: MedGen C0950123, MeSH D030342.
Autosomal dominant cerebellar ataxia. Also called: Spinocerebellar Ataxia, Dominant. Identifiers: Orphanet 99, MedGen C4087347, MONDO:0020380.

Allele frequency attached by ClinVar (database versions not stated): gnomAD exomes 0.00008; ExAC 0.00009; TOPMed 0.00009; ESP Exome Variant Server 0.00025.
gnomAD v4.1: 134 of 1,613,776 alleles (0.0083%); highest among the groups gnomAD compares: Non-Finnish European, 0.011%; no homozygotes.

Submissions (4):

Blueprint Genetics
Classification: Uncertain significance. Last evaluated: 2024-11-26. Review status: criteria provided, single submitter. Criteria: ACMG Guidelines, 2015. Collection method: clinical testing. Allele origin: germline.

Labcorp Genetics (formerly Invitae), Labcorp
Classification: Uncertain significance. Last evaluated: 2024-08-31. Review status: criteria provided, single submitter. Criteria: Invitae Variant Classification Sherloc (09022015). Collection method: clinical testing. Allele origin: germline.
Comment: This sequence change replaces alanine, which is neutral and non-polar, with valine, which is neutral and non-polar, at codon 647 of the FAT1 protein (p.Ala647Val). This variant is present in population databases (rs200988247, gnomAD 0.02%). This variant has not been reported in the literature in individuals affected with FAT1-related conditions. ClinVar contains an entry for this variant (Variation ID: 1298322). Invitae Evidence Modeling of protein sequence and biophysical properties (such as structural, functional, and spatial information, amino acid conservation, physicochemical variation, residue mobility, and thermodynamic stability) indicates that this missense variant is expected to disrupt FAT1 protein function with a positive predictive value of 80%. In summary, the available evidence is currently insufficient to determine the role of this variant in disease. Therefore, it has been classified as a Variant of Uncertain Significance.

Ambry Genetics
Classification: Uncertain significance for Inborn genetic diseases. Last evaluated: 2021-10-18. Review status: criteria provided, single submitter. Criteria: Ambry Variant Classification Scheme 2023. Collection method: clinical testing. Allele origin: germline.

O&I group, Department of Genetics, University Medical Center of Groningen
Classification: Uncertain significance for Autosomal dominant cerebellar ataxia. Last evaluated: 2021-07-22. Review status: no assertion criteria provided. Collection method: research. Allele origin: unknown. Not counted in ClinVar's aggregate classification.

Literature cited by the submitters: DOI 10.3389/fgene.2022.782685 (cited by O&I group, Department of Genetics, University Medical Center of Groningen).